The following is an entry in ClinVar:

ClinVar aggregate classification (germline): Uncertain significance (1 of 4 stars; one submission).

Submission:

Labcorp Genetics (formerly Invitae), Labcorp
Classification: Uncertain significance. Last evaluated: 2024-07-01. Review status: criteria provided, single submitter. Criteria: Invitae Variant Classification Sherloc (09022015). Collection method: clinical testing. Allele origin: germline.
Comment: This sequence change falls in intron 3 of the ACTN4 gene. It does not directly change the encoded amino acid sequence of the ACTN4 protein. This variant is present in population databases (rs756531604, gnomAD 0.006%). This variant has been observed in individual(s) with focal segmental glomerulosclerosis (Invitae). Experimental studies and prediction algorithms are not available or were not evaluated, and the effect of this variant on mRNA splicing is currently unknown. In summary, the available evidence is currently insufficient to determine the role of this variant in disease. Therefore, it has been classified as a Variant of Uncertain Significance.

NM_004924.6(ACTN4):c.395_397+20dup

Gene: ACTN4 (actinin alpha 4; plus strand). Cytogenetic location: 19q13.2.
Variant type: Duplication.
Coding change: c.395_397+20dup on transcript NM_004924.6 (MANE Select); coding-DNA position 395 through 20 bases into the intron after coding-DNA position 397, 23 bases duplicated (AAGGTGAGCTGGAGGTGGGGCAG).
Molecular consequence: splice donor variant.
Genome position (GRCh38, 1-based): chr19:38,701,119-38,701,141, AAGGTGAGCTGGAGGTGGGGCAG duplicated; duplicating any 23 consecutive bases within chr19:38,701,112-38,701,141 gives the same sequence; the c. name uses the placement nearest the transcript's 3' end. VCF-style (leftmost placement, unchanged base first): chr19-38701111-C-CGGGGCAGAAGGTGAGCTGGAGGT. GRCh37 (hg19) VCF-style: chr19-39191751-C-CGGGGCAGAAGGTGAGCTGGAGGT.
Other names: c.395_397+20dup (NM_001411143.1, NM_001322033.2).
Identifiers: ClinVar variation 3665268 (VCV003665268.2).
Genomic context (GRCh38, chr19:38,701,111, plus strand): 5'-CAACAATGTGAACAAAGCGCTGGACTTTATTGCCAGCAAAGGCGTCAAGCTGGTCTCCAT[C>CGGGGCAGAAGGTGAGCTGGAGGT]GGGGCAGAAGGTGAGCTGGAGGTGGGGCAGCGAGGGTCCTGCTCGGTTTCTGACCTTTAG-3'